The following is an entry in ClinVar:

ClinVar aggregate classification (germline): Pathogenic (1 of 4 stars; one submission).

Conditions:
Glycogen storage disease, type V (GSD5). Also called: McArdle type glycogen storage disease; MCARDLE DISEASE; MUSCLE GLYCOGEN PHOSPHORYLASE DEFICIENCY; MYOPHOSPHORYLASE DEFICIENCY; PYGM DEFICIENCY. Identifiers: Orphanet 368, MedGen C0017924, MONDO:0009293, OMIM 232600.

Submission:

Labcorp Genetics (formerly Invitae), Labcorp
Classification: Pathogenic for Glycogen storage disease, type V. Last evaluated: 2022-11-30. Review status: criteria provided, single submitter. Criteria: Invitae Variant Classification Sherloc (09022015). Collection method: clinical testing. Allele origin: germline.
Comment: For these reasons, this variant has been classified as Pathogenic. This premature translational stop signal has been observed in individual(s) with McArdle disease (PMID: 29143597). This variant is not present in population databases (gnomAD no frequency). This sequence change creates a premature translational stop signal (p.Leu132Trpfs*163) in the PYGM gene. It is expected to result in an absent or disrupted protein product. Loss-of-function variants in PYGM are known to be pathogenic (PMID: 8316268, 16786513).

Literature cited by the submitters: PubMed 29143597; PubMed 8316268; PubMed 16786513.

NM_005609.4(PYGM):c.393del (p.Leu132fs)

Gene: PYGM (glycogen phosphorylase, muscle associated; minus strand). Cytogenetic location: 11q13.1.
Variant type: Deletion.
Coding change: c.393del on transcript NM_005609.4 (MANE Select); coding-DNA position 393, one base deleted (G; older notation c.393delG).
Protein change: p.Leu132fs; shifts the reading frame from leucine 132.
Molecular consequence: frameshift variant. On other transcripts: intron variant (1).
Genome position (GRCh38, 1-based): chr11:64,758,468, C deleted on the plus strand (G on the coding strand, the reverse complement: PYGM is on the minus strand); the first of 4 consecutive C bases (chr11:64,758,468-64,758,471); deleting any one gives the same sequence. VCF-style (leftmost placement, unchanged base first): chr11-64758467-GC-G. GRCh37 (hg19) VCF-style: chr11-64525939-GC-G.
Other names: c.244-202del (NM_001164716.1); short protein forms L132fs.
Identifiers: ClinVar variation 2735645 (VCV002735645.3), dbSNP rs2496670899, ClinGen allele CA2695214482.